The following is an entry in ClinVar:

ClinVar aggregate classification (germline): Uncertain significance (1 of 4 stars; one submission).

Submission:

Labcorp Genetics (formerly Invitae), Labcorp
Classification: Uncertain significance. Last evaluated: 2024-04-03. Review status: criteria provided, single submitter. Criteria: Invitae Variant Classification Sherloc (09022015). Collection method: clinical testing. Allele origin: germline.
Comment: This sequence change replaces proline, which is neutral and non-polar, with threonine, which is neutral and polar, at codon 216 of the SEMA4A protein (p.Pro216Thr). Information on the frequency of this variant in the gnomAD database is not available, as this variant may be reported differently in the database. This variant has not been reported in the literature in individuals affected with SEMA4A-related conditions. Experimental studies and prediction algorithms are not available or were not evaluated, and the functional significance of this variant is currently unknown. In summary, the available evidence is currently insufficient to determine the role of this variant in disease. Therefore, it has been classified as a Variant of Uncertain Significance.

NM_022367.4(SEMA4A):c.645_646delinsAA (p.Pro216Thr)

Gene: SEMA4A (semaphorin 4A; plus strand). Cytogenetic location: 1q22.
Variant type: Indel.
Coding change: c.645_646delinsAA on transcript NM_022367.4 (MANE Select); coding-DNA positions 645 to 646, GC replaced by AA.
Protein change: p.Pro216Thr; replaces proline 216 with threonine.
Molecular consequence: missense variant.
Genome position (GRCh38, 1-based): chr1:156,160,519-156,160,520, GC replaced by AA. VCF-style: chr1-156160519-GC-AA. GRCh37 (hg19) VCF-style: chr1-156130310-GC-AA.
Other names: c.348_349delinsAA, p.Pro117Thr (NM_001370568.1); c.138_139delinsAA, p.Pro47Thr (NM_001370569.1, NM_001370571.1); c.645_646delinsAA, p.Pro216Thr (NM_001193300.2, NM_001193301.2, NM_001370567.1); c.249_250delinsAA, p.Pro84Thr (NM_001193302.2); short protein forms P117T, P216T, P47T, P84T.
Identifiers: ClinVar variation 3603718 (VCV003603718.2).